The following is an entry in ClinVar:

ClinVar aggregate classification (germline): Likely pathogenic (1 of 4 stars; one submission).

Conditions:
Alport syndrome. Also called: Hemorrhagic familial nephritis; Hemorrhagic hereditary nephritis; Congenital hereditary hematuria. Identifiers: Orphanet 63, MedGen C1567741, MONDO:0018965.

Submission:

Natera, Inc.
Classification: Likely pathogenic for Alport syndrome. Last evaluated: 2025-03-20. Review status: criteria provided, single submitter. Criteria: Natera Variant Classification Schema (03/2026). Collection method: clinical testing. Allele origin: germline.
Comment: The c.2164+1G>C variant in COL4A4 is a canonical splice donor site variant predicted to affect pre-mRNA splicing, which may result in an abnormal transcript and altered protein product. This variant is expected to result in nonsense mediated decay, truncation, or a dysfunctional protein product. This variant is rare in the general population with a frequency below the threshold expected for the associated phenotype(s). Given the available evidence, this variant is classified as Likely Pathogenic.

NM_000092.5(COL4A4):c.2164+1G>C

Gene: COL4A4 (collagen type IV alpha 4 chain; minus strand). Cytogenetic location: 2q36.3.
Variant type: single nucleotide variant.
Coding change: c.2164+1G>C on transcript NM_000092.5 (MANE Select); the canonical splice donor site of the intron after coding-DNA position 2164, G replaced by C.
Molecular consequence: splice donor variant.
Genome position (GRCh38, 1-based): chr2:227,060,135, C>G on the plus strand (G>C on the coding strand, the complement: COL4A4 is on the minus strand). VCF-style: chr2-227060135-C-G. GRCh37 (hg19) VCF-style: chr2-227924851-C-G.
Identifiers: ClinVar variation 4065030 (VCV004065030.2).